The following is an entry in ClinVar:

ClinVar aggregate classification (germline): Uncertain significance (1 of 4 stars; one submission).

Submission:

GeneDx
Classification: Uncertain significance. Last evaluated: 2023-11-19. Review status: criteria provided, single submitter. Criteria: GeneDx Variant Classification Process June 2021. Collection method: clinical testing. Allele origin: germline. Affected: yes.
Comment: Not observed at significant frequency in large population cohorts (gnomAD); In-frame duplication of 2 amino acids in a repetitive region with no known function; Has not been previously published as pathogenic or benign to our knowledge

NM_021096.4(CACNA1I):c.6350_6355dup (p.Gly2118_Ala2119insGlyGly)

Gene: CACNA1I (calcium voltage-gated channel subunit alpha1 I; plus strand). Cytogenetic location: 22q13.1.
Variant type: Duplication.
Coding change: c.6350_6355dup on transcript NM_021096.4 (MANE Select); coding-DNA positions 6350 to 6355, 6 bases duplicated (GGGGCG; older notation c.6350_6355dupGGGGCG).
Protein change: p.Gly2118_Ala2119insGlyGly.
Genome position (GRCh38, 1-based): chr22:39,686,083-39,686,088, GGGGCG duplicated; duplicating any 6 consecutive bases within chr22:39,686,079-39,686,088 gives the same sequence; the c. name uses the placement nearest the transcript's 3' end. VCF-style (leftmost placement, unchanged base first): chr22-39686078-C-CGGCGGG. GRCh37 (hg19) VCF-style: chr22-40082083-C-CGGCGGG.
Other names: c.6245_6250dup, p.Gly2083_Ala2084insGlyGly (NM_001003406.2).
Identifiers: ClinVar variation 3364308 (VCV003364308.1).